The following is an entry in ClinVar:

NM_002907.4(RECQL):c.521A>G (p.His174Arg)

Gene: RECQL (RecQ like helicase; minus strand). Cytogenetic location: 12p12.1.
Variant type: single nucleotide variant.
Coding change: c.521A>G on transcript NM_002907.4 (MANE Select); coding-DNA position 521, A replaced by G.
Protein change: p.His174Arg; replaces histidine 174 with arginine.
Molecular consequence: missense variant.
Genome position (GRCh38, 1-based): chr12:21,483,555, T>C on the plus strand (A>G on the coding strand, the complement: RECQL is on the minus strand). VCF-style: chr12-21483555-T-C. GRCh37 (hg19) VCF-style: chr12-21636489-T-C.
Other names: c.521A>G, p.His174Arg (NM_032941.3); c.521A>G (NM_002907.3); short protein forms H174R.
Identifiers: ClinVar variation 1507571 (VCV001507571.9), dbSNP rs768922416, ClinGen allele CA6479041.

ClinVar aggregate classification (germline): Uncertain significance. Review status: criteria provided, multiple submitters, no conflicts (2 of 4 stars). 2 submissions from 2 submitters: Uncertain significance (2). Last evaluated 2024-08-30.

Allele frequency attached by ClinVar (database versions not stated): gnomAD exomes 0.00001 and 0.00002; ExAC 0.00003.

Submissions (2):

Ambry Genetics
Classification: Uncertain significance. Last evaluated: 2024-08-30. Review status: criteria provided, single submitter. Criteria: Ambry Variant Classification Scheme 2023. Collection method: clinical testing. Allele origin: germline.
Comment: The p.H174R variant (also known as c.521A>G), located in coding exon 5 of the RECQL gene, results from an A to G substitution at nucleotide position 521. The histidine at codon 174 is replaced by arginine, an amino acid with highly similar properties. This amino acid position is conserved. In addition, this alteration is predicted to be tolerated by in silico analysis. Based on the available evidence, the clinical significance of this variant remains unclear.

Labcorp Genetics (formerly Invitae), Labcorp
Classification: Uncertain significance. Last evaluated: 2021-04-25. Review status: criteria provided, single submitter. Criteria: Invitae Variant Classification Sherloc (09022015). Collection method: clinical testing. Allele origin: germline.
Comment: In summary, the available evidence is currently insufficient to determine the role of this variant in disease. Therefore, it has been classified as a Variant of Uncertain Significance. Algorithms developed to predict the effect of missense changes on protein structure and function are either unavailable or do not agree on the potential impact of this missense change (SIFT: "Tolerated"; PolyPhen-2: "Probably Damaging"; Align-GVGD: "Class C0"). This variant has not been reported in the literature in individuals with RECQL-related conditions. This variant is present in population databases (rs768922416, ExAC 0.02%). This sequence change replaces histidine with arginine at codon 174 of the RECQL protein (p.His174Arg). The histidine residue is moderately conserved and there is a small physicochemical difference between histidine and arginine.